The following is an entry in ClinVar:

ClinVar aggregate classification (oncogenicity): Likely oncogenic (1 of 4 stars; one submission).

Conditions:
Acute myeloid leukemia (AML). Also called: Acute myeloid leukemia, adult; AML adult; Acute non-lymphocytic leukemia; Acute granulocytic leukemia; Leukemia, acute myeloid, somatic; Leukemia, acute myelogenous, somatic. Identifiers: Orphanet 519, MedGen C0023467, MeSH D015470, MONDO:0018874, OMIM 601626, HP:0004808. Disease mechanism: Constitutively activated FLT3.

Submission:

Molecular Diagnostics Division, Virginia Commonwealth University
Classification: Likely oncogenic for Acute myeloid leukemia. Last evaluated: 2025-01-10. Review status: criteria provided, single submitter. Criteria: ClinGen/CGC/VICC Guidelines for Oncogenicity, 2022 erratum. Collection method: clinical testing. Allele origin: unknown. Affected: yes.
Comment: This variant was not observed in gnomAD or somatic databases. The variant is predicted to lead to a truncation of the protein which results in the loss of all of the catalytic domain (Tet_JBP, source PFAM) which encompasses amino acids 1290 to 1905 of the 2002 amino acid protein. Catalytic activity of TET2 is required for suppression of myeloid malignancy [PMID: 27003514]. This variant is therefore a typical null variant in a tumor suppressor and is not present in population databases which renders it to be at minimum likely oncogenic.

Literature cited by the submitters: PubMed 27003514.

NM_001127208.3(TET2):c.3678dup (p.Val1227fs)

Genes: TET2 (tet methylcytosine dioxygenase 2; plus strand), TET2-AS1 (TET2 antisense RNA 1; minus strand). Cytogenetic location: 4q24.
Variant type: Duplication.
Coding change: c.3678dup on transcript NM_001127208.3 (MANE Select); coding-DNA position 3678, one base duplicated (T; older notation c.3678dupT).
Protein change: p.Val1227fs; shifts the reading frame from valine 1227.
Molecular consequence: frameshift variant.
Genome position (GRCh38, 1-based): chr4:105,243,653, T duplicated; the last of 2 consecutive T bases (chr4:105,243,652-105,243,653); duplicating either gives the same sequence. VCF-style (leftmost placement, unchanged base first): chr4-105243651-A-AT. GRCh37 (hg19) VCF-style: chr4-106164808-A-AT.
Other names: short protein forms V1227fs.
Identifiers: ClinVar variation 3731623 (VCV003731623.1).